The following is an entry in ClinVar:

ClinVar aggregate classification (germline): Benign (1 of 4 stars; one submission).

Allele frequency attached by ClinVar (database versions not stated): ExAC 0.00096; ESP Exome Variant Server 0.00271; gnomAD 0.00271; TOPMed 0.00353; 1000 Genomes Project 0.00399; 1000 Genomes Project 30x 0.00437.
gnomAD v4.1: 786 of 1,614,026 alleles (0.049%); highest among the groups gnomAD compares: African/African-American, 0.73%; 3 homozygotes.

Submission:

CeGaT Center for Human Genetics Tuebingen
Classification: Benign. Last evaluated: 2022-09-01. Review status: criteria provided, single submitter. Criteria: CeGaT Center For Human Genetics Tuebingen Variant Classification Criteria Version 2. Collection method: clinical testing. Allele origin: germline. Affected: yes. Observed: 2 variant alleles.
Comment: ABCA13: BS1, BS2

NM_152701.5(ABCA13):c.12165C>T (p.Cys4055=)

Gene: ABCA13 (ATP binding cassette subfamily A member 13; plus strand). Cytogenetic location: 7p12.3.
Variant type: single nucleotide variant.
Coding change: c.12165C>T on transcript NM_152701.5 (MANE Select); coding-DNA position 12165, C replaced by T.
Protein change: p.Cys4055=; no amino-acid change (cysteine 4055 retained).
Molecular consequence: synonymous variant.
Genome position (GRCh38, 1-based): chr7:48,410,614, C>T. VCF-style: chr7-48410614-C-T. GRCh37 (hg19) VCF-style: chr7-48450211-C-T.
Identifiers: ClinVar variation 2657491 (VCV002657491.24), dbSNP rs147804711, ClinGen allele CA4258879.